The following is an entry in ClinVar:

NM_001105206.3(LAMA4):c.4894T>C (p.Ser1632Pro)

Gene: LAMA4 (laminin subunit alpha 4; minus strand). Cytogenetic location: 6q21.
Variant type: single nucleotide variant.
Coding change: c.4894T>C on transcript NM_001105206.3 (MANE Select); coding-DNA position 4894, T replaced by C.
Protein change: p.Ser1632Pro; replaces serine 1632 with proline.
Molecular consequence: missense variant.
Genome position (GRCh38, 1-based): chr6:112,117,826, A>G on the plus strand (T>C on the coding strand, the complement: LAMA4 is on the minus strand). VCF-style: chr6-112117826-A-G. GRCh37 (hg19) VCF-style: chr6-112439029-A-G.
Other names: c.4873T>C, p.Ser1625Pro (NM_001105207.3, NM_002290.5); short protein forms S1632P, S1625P.
Identifiers: ClinVar variation 3866195 (VCV003866195.2).
Genomic context (GRCh38, chr6:112,117,826, plus strand): 5'-AAAAGTAAGTTCCTGTTTCCATGGGGCCTTCAAAGCAAGGGGTCACACTGAATGTCTGAG[A>G]AGCAGAGGTGATGGAGGCCCCATTGAGCTGGAGATTGCTGAGACAGCCACTAAAACTGTA-3'
Protein context (NP_001098676.2, residues 1622-1642): QLNGASITSA[Ser1632Pro]QTFSVTPCFE

ClinVar aggregate classification (germline): Uncertain significance. Review status: criteria provided, multiple submitters, no conflicts (2 of 4 stars). 2 submissions from 2 submitters: Uncertain significance (2). Last evaluated 2025-05-16.

Conditions:
Cardiovascular phenotype. Identifiers: MedGen CN230736.
Dilated cardiomyopathy 1JJ (CMD1JJ). Identifiers: Orphanet 154, MedGen C3808935, MONDO:0014095, OMIM 615235.

gnomAD v4.1: 8 of 1,613,634 alleles (0.0005%); highest among the groups gnomAD compares: African/African-American, 0.008%; no homozygotes.

Submissions (2):

Labcorp Genetics (formerly Invitae), Labcorp
Classification: Uncertain significance for Dilated cardiomyopathy 1JJ. Last evaluated: 2025-05-16. Review status: criteria provided, single submitter. Criteria: Invitae Variant Classification Sherloc (09022015). Collection method: clinical testing. Allele origin: germline.
Comment: This sequence change replaces serine, which is neutral and polar, with proline, which is neutral and non-polar, at codon 1625 of the LAMA4 protein (p.Ser1625Pro). This variant is present in population databases (rs781941778, gnomAD 0.007%). This variant has not been reported in the literature in individuals affected with LAMA4-related conditions. Invitae Evidence Modeling of protein sequence and biophysical properties (such as structural, functional, and spatial information, amino acid conservation, physicochemical variation, residue mobility, and thermodynamic stability) indicates that this missense variant is not expected to disrupt LAMA4 protein function with a negative predictive value of 80%. In summary, the available evidence is currently insufficient to determine the role of this variant in disease. Therefore, it has been classified as a Variant of Uncertain Significance.

Ambry Genetics
Classification: Uncertain significance for Cardiovascular phenotype. Last evaluated: 2025-02-13. Review status: criteria provided, single submitter. Criteria: Ambry Variant Classification Scheme 2023. Collection method: clinical testing. Allele origin: germline.
Comment: The p.S1625P variant (also known as c.4873T>C), located in coding exon 34 of the LAMA4 gene, results from a T to C substitution at nucleotide position 4873. The serine at codon 1625 is replaced by proline, an amino acid with similar properties. This amino acid position is conserved. In addition, the in silico prediction for this alteration is inconclusive. Based on the available evidence, the clinical significance of this variant remains unclear.